The following is an entry in ClinVar:

NM_018127.7(ELAC2):c.716T>C (p.Leu239Pro)

Gene: ELAC2 (elaC ribonuclease Z 2; minus strand). Cytogenetic location: 17p12.
Variant type: single nucleotide variant.
Coding change: c.716T>C on transcript NM_018127.7 (MANE Select); coding-DNA position 716, T replaced by C.
Protein change: p.Leu239Pro; replaces leucine 239 with proline.
Molecular consequence: missense variant.
Genome position (GRCh38, 1-based): chr17:13,010,635, A>G on the plus strand (T>C on the coding strand, the complement: ELAC2 is on the minus strand). VCF-style: chr17-13010635-A-G. GRCh37 (hg19) VCF-style: chr17-12913952-A-G.
Other names: c.596T>C, p.Leu199Pro (NM_001165962.2); c.716T>C, p.Leu239Pro (NM_173717.2); short protein forms L199P, L239P.
Identifiers: ClinVar variation 1374823 (VCV001374823.3), dbSNP rs750047784, ClinGen allele CA8401540.

ClinVar aggregate classification (germline): Uncertain significance (1 of 4 stars; one submission).

Conditions:
Combined oxidative phosphorylation defect type 17. Also called: Combined oxidative phosphorylation deficiency 17. Identifiers: Orphanet 369913, MedGen C3809526, MONDO:0014190, OMIM 615440.

Allele frequency attached by ClinVar (database versions not stated): gnomAD exomes below 0.00001 and 0.00001; ExAC 0.00001.

Submission:

Labcorp Genetics (formerly Invitae), Labcorp
Classification: Uncertain significance for Combined oxidative phosphorylation defect type 17. Last evaluated: 2022-07-13. Review status: criteria provided, single submitter. Criteria: Invitae Variant Classification Sherloc (09022015). Collection method: clinical testing. Allele origin: germline.
Comment: This sequence change replaces leucine, which is neutral and non-polar, with proline, which is neutral and non-polar, at codon 239 of the ELAC2 protein (p.Leu239Pro). This variant is present in population databases (rs750047784, gnomAD 0.009%). This variant has not been reported in the literature in individuals affected with ELAC2-related conditions. ClinVar contains an entry for this variant (Variation ID: 1374823). Algorithms developed to predict the effect of missense changes on protein structure and function are either unavailable or do not agree on the potential impact of this missense change (SIFT: "Deleterious"; PolyPhen-2: "Probably Damaging"; Align-GVGD: "Class C0"). In summary, the available evidence is currently insufficient to determine the role of this variant in disease. Therefore, it has been classified as a Variant of Uncertain Significance.